The following is an entry in ClinVar:

NM_020693.4(DSCAML1):c.6014C>T (p.Ala2005Val)

Gene: DSCAML1 (DS cell adhesion molecule like 1; minus strand). Cytogenetic location: 11q23.3.
Variant type: single nucleotide variant.
Coding change: c.6014C>T on transcript NM_020693.4 (MANE Select); coding-DNA position 6014, C replaced by T.
Protein change: p.Ala2005Val; replaces alanine 2005 with valine.
Molecular consequence: missense variant.
Genome position (GRCh38, 1-based): chr11:117,428,476, G>A on the plus strand (C>T on the coding strand, the complement: DSCAML1 is on the minus strand). VCF-style: chr11-117428476-G-A. GRCh37 (hg19) VCF-style: chr11-117299192-G-A.
Other names: c.6194C>T (NM_020693.2); short protein forms A2005V.
Identifiers: ClinVar variation 1448415 (VCV001448415.7), dbSNP rs773507353, ClinGen allele CA6295892.

ClinVar aggregate classification (germline): Uncertain significance. Review status: criteria provided, multiple submitters, no conflicts (2 of 4 stars). 2 submissions from 2 submitters: Uncertain significance (2). Last evaluated 2025-12-03.

gnomAD v4.1: 13 of 1,534,528 alleles (0.00085%); highest among the groups gnomAD compares: African/African-American, 0.0083%; no homozygotes.

Submissions (2):

Labcorp Genetics (formerly Invitae), Labcorp
Classification: Uncertain significance. Last evaluated: 2025-12-03. Review status: criteria provided, single submitter. Criteria: Invitae Variant Classification Sherloc (09022015). Collection method: clinical testing. Allele origin: germline.
Comment: This sequence change replaces alanine, which is neutral and non-polar, with valine, which is neutral and non-polar, at codon 2065 of the DSCAML1 protein (p.Ala2065Val). This variant is present in population databases (rs773507353, gnomAD 0.009%). This variant has not been reported in the literature in individuals affected with DSCAML1-related conditions. ClinVar contains an entry for this variant (Variation ID: 1448415). An algorithm developed to predict the effect of missense changes on protein structure and function (PolyPhen-2) suggests that this variant is likely to be tolerated. In summary, the available evidence is currently insufficient to determine the role of this variant in disease. Therefore, it has been classified as a Variant of Uncertain Significance.

Ambry Genetics
Classification: Uncertain significance. Last evaluated: 2024-10-22. Review status: criteria provided, single submitter. Criteria: Ambry Variant Classification Scheme 2023. Collection method: clinical testing. Allele origin: germline.